The following is an entry in ClinVar:

NM_002880.4(RAF1):c.863-3A>G

Gene: RAF1 (Raf-1 proto-oncogene, serine/threonine kinase; minus strand). Cytogenetic location: 3p25.2.
Variant type: single nucleotide variant.
Coding change: c.863-3A>G on transcript NM_002880.4 (MANE Select); 3 bases into the intron before coding-DNA position 863, A replaced by G.
Molecular consequence: intron variant.
Genome position (GRCh38, 1-based): chr3:12,600,282, T>C on the plus strand (A>G on the coding strand, the complement: RAF1 is on the minus strand). VCF-style: chr3-12600282-T-C. GRCh37 (hg19) VCF-style: chr3-12641781-T-C.
Other names: c.521-3A>G (NM_001354695.3); c.620-3A>G (NM_001354692.3, NM_001354691.3); c.680-3A>G (NM_001354694.3); c.764-3A>G (NM_001354693.3); c.923-3A>G (NM_001354689.3); c.863-3A>G (NM_001354690.3).
Identifiers: ClinVar variation 4807646 (VCV004807646.1).

ClinVar aggregate classification (germline): Uncertain significance (1 of 4 stars; one submission).

Conditions:
RASopathy. Also called: rasopathies; Noonan spectrum disorder. Identifiers: Orphanet 536391, MedGen C5555857, MONDO:0021060.

Submission:

Labcorp Genetics (formerly Invitae), Labcorp
Classification: Uncertain significance for RASopathy. Last evaluated: 2025-10-19. Review status: criteria provided, single submitter. Criteria: Invitae Variant Classification Sherloc (09022015). Collection method: clinical testing. Allele origin: germline.
Comment: This sequence change falls in intron 8 of the RAF1 gene. It does not directly change the encoded amino acid sequence of the RAF1 protein. It affects a nucleotide within the consensus splice site. This variant is not present in population databases (gnomAD no frequency). This variant has not been reported in the literature in individuals affected with RAF1-related conditions. Variants that disrupt the consensus splice site are a relatively common cause of aberrant splicing (PMID: 17576681, 9536098). Algorithms developed to predict the effect of sequence changes on RNA splicing suggest that this variant may disrupt the consensus splice site. In summary, the available evidence is currently insufficient to determine the role of this variant in disease. Therefore, it has been classified as a Variant of Uncertain Significance.

Literature cited by the submitters: PubMed 17576681; PubMed 9536098.